The following is an entry in ClinVar:

ClinVar aggregate classification (germline): Uncertain significance (1 of 4 stars; one submission).

Submission:

Labcorp Genetics (formerly Invitae), Labcorp
Classification: Uncertain significance. Last evaluated: 2018-05-22. Review status: criteria provided, single submitter. Criteria: Invitae Variant Classification Sherloc (09022015). Collection method: clinical testing. Allele origin: germline.
Comment: This sequence change replaces proline with alanine at codon 1601 of the POLE protein (p.Pro1601Ala). The proline residue is highly conserved and there is a small physicochemical difference between proline and alanine. This variant is not present in population databases (ExAC no frequency). This variant has not been reported in the literature in individuals with POLE-related disease. Algorithms developed to predict the effect of missense changes on protein structure and function are either unavailable or do not agree on the potential impact of this missense change (SIFT: "Tolerated"; PolyPhen-2: "Probably Damaging"; Align-GVGD: "Class C0"). In summary, the available evidence is currently insufficient to determine the role of this variant in disease. Therefore, it has been classified as a Variant of Uncertain Significance.

NM_006231.4(POLE):c.4801C>G (p.Pro1601Ala)

Gene: POLE (DNA polymerase epsilon, catalytic subunit; minus strand). Cytogenetic location: 12q24.33.
Variant type: single nucleotide variant.
Coding change: c.4801C>G on transcript NM_006231.4 (MANE Select); coding-DNA position 4801, C replaced by G.
Protein change: p.Pro1601Ala; replaces proline 1601 with alanine.
Molecular consequence: missense variant.
Genome position (GRCh38, 1-based): chr12:132,642,657, G>C on the plus strand (C>G on the coding strand, the complement: POLE is on the minus strand). VCF-style: chr12-132642657-G-C. GRCh37 (hg19) VCF-style: chr12-133219243-G-C.
Other names: short protein forms P1601A.
Identifiers: ClinVar variation 577663 (VCV000577663.8), dbSNP rs147467247, ClinGen allele CA387378347.
Genomic context (GRCh38, chr12:132,642,657, plus strand): 5'-CCCCATAGTTGATCTTGTCAGCCACACAGATAGGCACCAGTGGGAATTCCTCCAAGACAG[G>C]AATTTCACTGGCCAGCCTCTTCAGCTCCCAGCTGGACTGAACAGCGATGAGTGTGGGCCC-3'
Protein context (NP_006222.2, residues 1591-1611): WELKRLASEI[Pro1601Ala]VLEEFPLVPI